The following is an entry in ClinVar:

ClinVar aggregate classification (germline): not provided (0 of 4 stars; one submission).

Conditions:
Small for gestational age. Also called: Low birth weight. Identifiers: MedGen C0235991, HP:0001518.

Submission:

Institute of Molecular and Cell Biology, University of Tartu
No classification provided. Condition: Small for gestational age. Review status: no classification provided. Collection method: case-control. Allele origin: unknown. Affected: yes. Study: Kasak2014.
Comment: The study aimed to determine the contribution of copy number variants in the genetic etiology of normal and complicated pregnancies. The samples represented (i) maternal blood DNA drawn from healthy pregnant women during 1st or 2nd trimester and (ii) maternal and paternal blood DNA drawn at term pregnancy cases representing normal and complicated gestations (severe preeclampsia, PE; gestational diabetes, GD; small-for-gestational age newborn, SGA; large-for-gestational age newborn, LGA). We performed CNV calling based on genome-wide genotyping dataset (Illumina HumanOmniExpress-24-v1 BeadChip) by applying three algorithms, QuantiSNP, GADA (Genome Alteration Detection Algorithm) and CNstream in parallel. The acquired CNV calls were merged with HD-CNV (Hotspot Detector for Copy Number Variants) program and only the CNVs predicted by at least two programs, were considered in subsequent analysis.

Literature cited by the submitters: PubMed 25666259.

NM_001282658.2(CCDC3):c.-1-19898_-1-16075del

Genes: CCDC3 (coiled-coil domain containing 3; minus strand), LOC107275223 (10p13 CCDC3 medial Alu-mediated recombination region; plus strand). Cytogenetic location: 10p13.
Variant type: Deletion.
Coding change: c.-1-19898_-1-16075del on transcript NM_001282658.2; 19898 bases into the intron before 1 bases upstream of the start codon through 16075 bases into the intron before 1 bases upstream of the start codon, 3,824 bases deleted.
Molecular consequence: intron variant.
Genome position (GRCh38, 1-based): chr10:13,014,587-13,018,410, 3,824 bases deleted. GRCh37 (hg19): chr10:13,056,587-13,060,410.
Identifiers: ClinVar variation 157153 (VCV000157153.2), ClinGen allele CA212258.